The following is an entry in ClinVar:

ClinVar aggregate classification (germline): Conflicting classifications of pathogenicity. Review status: criteria provided, conflicting classifications (1 of 4 stars). 2 submissions from 2 submitters: Likely pathogenic (1); Uncertain significance (1). Last evaluated 2021-01-22.

Conditions:
Lynch syndrome. Identifiers: Orphanet 144, MedGen C4552100, MONDO:0005835. Disease mechanism: loss of function.
Hereditary cancer-predisposing syndrome. Also called: Neoplastic Syndromes, Hereditary; Hereditary neoplastic syndrome; Tumor predisposition; Hereditary Cancer Syndrome. Identifiers: Orphanet 140162, MedGen C0027672, MeSH D009386, MONDO:0015356.

Submissions (2):

Ambry Genetics
Classification: Likely pathogenic for Hereditary cancer-predisposing syndrome. Last evaluated: 2021-01-22. Review status: criteria provided, single submitter. Criteria: Ambry Variant Classification Scheme 2023. Collection method: clinical testing. Allele origin: germline.
Comment: The p.G153C variant (also known as c.457G>T), located in coding exon 2 of the MSH6 gene, results from a G to T substitution at nucleotide position 457. The amino acid change results in glycine to cysteine at codon 153, an amino acid with highly dissimilar properties. However, this change occurs in the last base pair of coding exon 2, which makes it likely to have some effect on normal mRNA splicing. Using a Bayesian analysis that incorporates tumor mutation data, this variant was classified as uncertain significance by one study (Shirts BH et al. Am J Hum Genet, 2018 07;103:19-29). This variant was not reported in population-based cohorts in the Genome Aggregation Database (gnomAD). This nucleotide position is highly conserved in available vertebrate species. In silico splice site analysis predicts that this alteration will weaken the native splice donor site. In addition, as a missense substitution the in silico analysis for this alteration is inconclusive. Based on the majority of available evidence to date, this variant is likely to be pathogenic.

University of Washington Department of Laboratory Medicine, University of Washington
Classification: Uncertain significance for Lynch syndrome. Last evaluated: 2018-05-01. Review status: criteria provided, single submitter. Criteria: Shirts BH et al. (Am J Hum Genet 2018). Collection method: clinical testing. Allele origin: somatic. Affected: yes.
Comment: MSH6 NM_000179.2:c.457G>T has a 93.3% probability of pathogenicity based on combining prior probability from public data with a likelihood ratio of 1.56 to 1, generated from evidence of seeing this as a somatic mutation in a tumor without loss of heterozygosity at the MSH6 locus. See Shirts et al 2018, PMID 29887214.

Literature cited by the submitters: PubMed 29887214 (cited by Ambry Genetics).

NM_000179.3(MSH6):c.457G>T (p.Gly153Cys)

Gene: MSH6 (mutS homolog 6; plus strand). Cytogenetic location: 2p16.3.
Variant type: single nucleotide variant.
Coding change: c.457G>T on transcript NM_000179.3 (MANE Select); coding-DNA position 457, G replaced by T.
Protein change: p.Gly153Cys; replaces glycine 153 with cysteine.
Molecular consequence: missense variant. On other transcripts: 5 prime UTR variant (2), intron variant (1).
Genome position (GRCh38, 1-based): chr2:47,791,123, G>T. VCF-style: chr2-47791123-G-T. GRCh37 (hg19) VCF-style: chr2-48018262-G-T.
Other names: c.-280G>T (NM_001281493.2); c.-446G>T (NM_001281494.2); c.238-7488G>T (NM_001281492.2); short protein forms G153C.
Identifiers: ClinVar variation 619546 (VCV000619546.5), dbSNP rs1060502885, ClinGen allele CA346737211.